The following is an entry in ClinVar:

ClinVar aggregate classification (germline): Uncertain significance. Review status: criteria provided, multiple submitters, no conflicts (2 of 4 stars). 2 submissions from 2 submitters: Uncertain significance (2). Last evaluated 2021-09-23.

Conditions:
Glucocorticoid resistance. Also called: Glucocorticoid resistance, generalized; Gccr deficiency; Glucocorticoid receptor deficiency; Cortisol resistance from glucocorticoid receptor defect; Gcr deficiency. Identifiers: Orphanet 786, MedGen C1841972, MONDO:0014421, OMIM 615962.

Allele frequency attached by ClinVar (database versions not stated): gnomAD exomes below 0.00001 and 0.00001; ExAC 0.00002.
gnomAD v4.1: 4 of 1,613,630 alleles (0.00025%); highest among the groups gnomAD compares: Admixed American, 0.005%; no homozygotes.

Submissions (2):

Fulgent Genetics
Classification: Uncertain significance for Glucocorticoid resistance. Last evaluated: 2021-09-23. Review status: criteria provided, single submitter. Criteria: ACMG Guidelines, 2015. Collection method: clinical testing. Allele origin: unknown.

Baylor Genetics
Classification: Uncertain significance for Glucocorticoid resistance. Last evaluated: 2019-07-25. Review status: criteria provided, single submitter. Criteria: ACMG Guidelines, 2015. Collection method: clinical testing. Allele origin: unknown. Affected: yes.
Comment: This variant was determined to be of uncertain significance according to ACMG Guidelines, 2015 [PMID:25741868].

NM_000176.3(NR3C1):c.2309A>G (p.Lys770Arg)

Gene: NR3C1 (nuclear receptor subfamily 3 group C member 1; minus strand). Cytogenetic location: 5q31.3.
Variant type: single nucleotide variant.
Coding change: c.2309A>G on transcript NM_000176.3 (MANE Select); coding-DNA position 2309, A replaced by G.
Protein change: p.Lys770Arg; replaces lysine 770 with arginine.
Molecular consequence: missense variant. On other transcripts: non-coding transcript variant (1), intron variant (1).
Genome position (GRCh38, 1-based): chr5:143,281,914, T>C on the plus strand (A>G on the coding strand, the complement: NR3C1 is on the minus strand). VCF-style: chr5-143281914-T-C. GRCh37 (hg19) VCF-style: chr5-142661479-T-C.
Other names: c.2309A>G, p.Lys770Arg (NM_001018074.1, NM_001018075.1, NM_001018076.2 and 4 more transcripts); c.2312A>G, p.Lys771Arg (NM_001024094.2, NM_001364183.2, NM_001364184.2 and 1 more transcripts); c.2231A>G, p.Lys744Arg (NM_001204258.2); c.2054A>G, p.Lys685Arg (NM_001204259.2); c.2042A>G, p.Lys681Arg (NM_001204260.2); c.2018A>G, p.Lys673Arg (NM_001204261.2); c.1364A>G, p.Lys455Arg (NM_001204262.2); c.1319A>G, p.Lys440Arg (NM_001204263.2); and 2 more; short protein forms K440R, K673R, K771R, K435R, K681R, K455R, K744R, K685R.
Identifiers: ClinVar variation 1029694 (VCV001029694.2), dbSNP rs751136795, ClinGen allele CA3486680.